The following is an entry in ClinVar:

ClinVar aggregate classification (germline): Likely benign (1 of 4 stars; one submission).

Submission:

CeGaT Center for Human Genetics Tuebingen
Classification: Likely benign. Last evaluated: 2022-09-01. Review status: criteria provided, single submitter. Criteria: CeGaT Center For Human Genetics Tuebingen Variant Classification Criteria Version 2. Collection method: clinical testing. Allele origin: germline. Affected: yes. Observed: 1 variant allele.
Comment: PRKG1: PM2:Supporting, BP4, BP7

NM_006258.4(PRKG1):c.1528C>A (p.Arg510=)

Gene: PRKG1 (protein kinase cGMP-dependent 1; plus strand). Cytogenetic location: 10q21.1.
Variant type: single nucleotide variant.
Coding change: c.1528C>A on transcript NM_006258.4 (MANE Select); coding-DNA position 1528, C replaced by A.
Protein change: p.Arg510=; no amino-acid change (arginine 510 retained).
Molecular consequence: synonymous variant.
Genome position (GRCh38, 1-based): chr10:52,280,913, C>A. VCF-style: chr10-52280913-C-A. GRCh37 (hg19) VCF-style: chr10-54040673-C-A.
Other names: c.1483C>A, p.Arg495= (NM_001098512.3); c.319C>A, p.Arg107= (NM_001374781.1).
Identifiers: ClinVar variation 2640475 (VCV002640475.24), dbSNP rs1564544146, ClinGen allele CA469499827.
Genomic context (GRCh38, chr10:52,280,913, plus strand): 5'-CTGCATTCCAAAGGAATCATTTACAGGGACCTCAAGCCAGAAAATCTCATCCTAGATCAC[C>A]GAGGTTATGCCAAACTGGTCAGTGCATTTCATACGTGCTTTCTGCCCTGCAGATTAAAAA-3'
Protein context (NP_006249.1, residues 500-520): LKPENLILDH[Arg510=]GYAKLVDFGF